The following is an entry in ClinVar:

ClinVar aggregate classification (germline): Uncertain significance. Review status: criteria provided, multiple submitters, no conflicts (2 of 4 stars). 2 submissions from 2 submitters: Uncertain significance (2). Last evaluated 2021-12-08.

Conditions:
Wolcott-Rallison dysplasia. Also called: MED-IDDM SYNDROME; Wolcott-Rallison syndrome. Identifiers: Orphanet 1667, MedGen C0432217, MONDO:0009192, OMIM 226980.

Allele frequency attached by ClinVar (database versions not stated): ExAC 0.00002; gnomAD exomes 0.00002; TOPMed 0.00003; gnomAD 0.00004.
gnomAD v4.1: 157 of 1,613,780 alleles (0.0097%); highest among the groups gnomAD compares: Middle Eastern, 0.016%; no homozygotes.

Submissions (2):

Department of Pathology and Laboratory Medicine, Sinai Health System
Classification: Uncertain significance for Wolcott-Rallison dysplasia. Last evaluated: 2021-12-08. Review status: criteria provided, single submitter. Criteria: ACMG Guidelines, 2015. Collection method: research. Allele origin: germline.

Labcorp Genetics (formerly Invitae), Labcorp
Classification: Uncertain significance. Last evaluated: 2021-08-31. Review status: criteria provided, single submitter. Criteria: Invitae Variant Classification Sherloc (09022015). Collection method: clinical testing. Allele origin: germline.
Comment: This sequence change replaces valine with methionine at codon 1052 of the EIF2AK3 protein (p.Val1052Met). The valine residue is weakly conserved and there is a small physicochemical difference between valine and methionine. This variant is present in population databases (rs746319005, ExAC 0.003%). This variant has not been reported in the literature in individuals affected with EIF2AK3-related conditions. Algorithms developed to predict the effect of missense changes on protein structure and function output the following: SIFT: "Tolerated"; PolyPhen-2: "Benign"; Align-GVGD: "Class C0". The methionine amino acid residue is found in multiple mammalian species, which suggests that this missense change does not adversely affect protein function. In summary, the available evidence is currently insufficient to determine the role of this variant in disease. Therefore, it has been classified as a Variant of Uncertain Significance.

NM_004836.7(EIF2AK3):c.3154G>A (p.Val1052Met)

Genes: EIF2AK3 (eukaryotic translation initiation factor 2 alpha kinase 3; minus strand), EIF2AK3-AS1 (EIF2AK3 antisense RNA 1; plus strand). Cytogenetic location: 2p11.2.
Variant type: single nucleotide variant.
Coding change: c.3154G>A on transcript NM_004836.7 (MANE Select); coding-DNA position 3154, G replaced by A.
Protein change: p.Val1052Met; replaces valine 1052 with methionine.
Molecular consequence: missense variant.
Genome position (GRCh38, 1-based): chr2:88,557,933, C>T on the plus strand (G>A on the coding strand, the complement: EIF2AK3 is on the minus strand). VCF-style: chr2-88557933-C-T. GRCh37 (hg19) VCF-style: chr2-88857451-C-T.
Other names: c.2701G>A, p.Val901Met (NM_001313915.2); short protein forms V1052M, V901M.
Identifiers: ClinVar variation 1436860 (VCV001436860.6), dbSNP rs746319005, ClinGen allele CA1754299.